The following is an entry in ClinVar:

ClinVar aggregate classification (germline): Benign. Review status: criteria provided, multiple submitters, no conflicts (2 of 4 stars). 2 submissions from 2 submitters: Benign (2). Last evaluated 2018-06-14.

Allele frequency attached by ClinVar (database versions not stated): gnomAD exomes 0.02051; gnomAD 0.04648 and 0.04819; TOPMed 0.04808; 1000 Genomes Project 0.07688; 1000 Genomes Project 30x 0.07808.

Submissions (2):

GeneDx
Classification: Benign. Last evaluated: 2018-06-14. Review status: criteria provided, single submitter. Criteria: GeneDx Variant Classification (06012015). Collection method: clinical testing. Allele origin: germline. Affected: yes.
Comment: This variant is considered likely benign or benign based on one or more of the following criteria: it is a conservative change, it occurs at a poorly conserved position in the protein, it is predicted to be benign by multiple in silico algorithms, and/or has population frequency not consistent with disease.

Breakthrough Genomics
Classification: Benign. Review status: criteria provided, single submitter. Criteria: ACMG Guidelines, 2015. Collection method: not provided. Allele origin: germline. Inheritance: Autosomal recessive inheritance. Affected: yes.

NM_014049.5(ACAD9):c.1485+57T>C

Gene: ACAD9 (acyl-CoA dehydrogenase family member 9; plus strand). Cytogenetic location: 3q21.3.
Variant type: single nucleotide variant.
Coding change: c.1485+57T>C on transcript NM_014049.5 (MANE Select); 57 bases into the intron after coding-DNA position 1485, T replaced by C.
Molecular consequence: intron variant.
Genome position (GRCh38, 1-based): chr3:128,909,156, T>C. VCF-style: chr3-128909156-T-C. GRCh37 (hg19) VCF-style: chr3-128627999-T-C.
Identifiers: ClinVar variation 671704 (VCV000671704.2), dbSNP rs16852179, ClinGen allele CA11537853.
Genomic context (GRCh38, chr3:128,909,156, plus strand): 5'-TGCGGTGAGTGGGCCTAACAGGCATACCCCCTATTTCAATGCCCTCCTGCCAGATCTCCT[T>C]GTGGCAGAAAAGATCTCACTGTGGGGGGTCTGGGCTTCTCCAGGGGAAGTTGGGGAACAC-3'